The following is an entry in ClinVar:

NM_000341.4(SLC3A1):c.256C>T (p.Arg86Trp)

Gene: SLC3A1 (solute carrier family 3 member 1; plus strand). Cytogenetic location: 2p21.
Variant type: single nucleotide variant.
Coding change: c.256C>T on transcript NM_000341.4 (MANE Select); coding-DNA position 256, C replaced by T.
Protein change: p.Arg86Trp; replaces arginine 86 with tryptophan.
Molecular consequence: missense variant.
Genome position (GRCh38, 1-based): chr2:44,275,791, C>T. VCF-style: chr2-44275791-C-T. GRCh37 (hg19) VCF-style: chr2-44502930-C-T.
Other names: short protein forms R86W.
Identifiers: ClinVar variation 2444138 (VCV002444138.1), dbSNP rs777389522, ClinGen allele CA1640065.
Genomic context (GRCh38, chr2:44,275,791, plus strand): 5'-GCGGGGATGCCCAAGGAGGTGCTGTTCCAGTTCTCTGGCCAGGCCCGCTACCGCATACCT[C>T]GGGAGATCCTCTTCTGGCTCACAGTGGCTTCTGTGCTGGTGCTCATCGCGGCCACCATAG-3'
Protein context (NP_000332.2, residues 76-96): FSGQARYRIP[Arg86Trp]EILFWLTVAS

ClinVar aggregate classification (germline): Uncertain significance (1 of 4 stars; one submission).

Conditions:
Cystinuria (CSNU). Also called: CYSTINURIA, TYPE I; CYSTINURIA, TYPE II; CYSTINURIA, TYPE III; Cystinuria, non-type I. Identifiers: Orphanet 214, MedGen C0010691, MONDO:0009067, OMIM 220100, HP:0003131.

Allele frequency attached by ClinVar (database versions not stated): TOPMed below 0.00001; ExAC 0.00001.

Submission:

3billion
Classification: Uncertain significance for Cystinuria. Last evaluated: 2023-02-23. Review status: criteria provided, single submitter. Criteria: ACMG Guidelines, 2015. Collection method: clinical testing. Allele origin: unknown. Affected: yes.
Comment: The variant is observed at an extremely low frequency in the gnomAD v2.1.1 dataset (total allele frequency: <0.001%). In silico tool predictions suggest damaging effect of the variant on gene or gene product (REVEL: 0.80; 3Cnet: 0.88). A different missense change at the same codon (p.Arg86Gln) has been reported to be associated with SLC3A1-related disorder (PMID: 28717662). However, the evidence of pathogenicity is insufficient at this time. Therefore, this variant is classified as VUS according to the recommendation of ACMG/AMP guideline.

Literature cited by the submitters: PubMed 28717662.